The following is an entry in ClinVar:

NM_015971.4(MRPS7):c.624G>A (p.Lys208=)

Gene: MRPS7 (mitochondrial ribosomal protein S7; plus strand). Cytogenetic location: 17q25.1.
Variant type: single nucleotide variant.
Coding change: c.624G>A on transcript NM_015971.4 (MANE Select); coding-DNA position 624, G replaced by A.
Protein change: p.Lys208=; no amino-acid change (lysine 208 retained).
Molecular consequence: synonymous variant.
Genome position (GRCh38, 1-based): chr17:75,265,818, G>A. VCF-style: chr17-75265818-G-A. GRCh37 (hg19) VCF-style: chr17-73261899-G-A.
Identifiers: ClinVar variation 380071 (VCV000380071.32), dbSNP rs115006555, ClinGen allele CA8760466.

ClinVar aggregate classification (germline): Likely benign. Review status: criteria provided, multiple submitters, no conflicts (2 of 4 stars). 3 submissions from 3 submitters: Likely benign (3). Last evaluated 2025-07-31.

Allele frequency attached by ClinVar (database versions not stated): 1000 Genomes Project 30x 0.00016; 1000 Genomes Project 0.00020; TOPMed 0.00028; gnomAD exomes 0.00029; ExAC 0.00031; gnomAD 0.00031 and 0.00036; ESP Exome Variant Server 0.00046.

Submissions (3):

Labcorp Genetics (formerly Invitae), Labcorp
Classification: Likely benign. Last evaluated: 2025-07-31. Review status: criteria provided, single submitter. Criteria: Invitae Variant Classification Sherloc (09022015). Collection method: clinical testing. Allele origin: germline.

CeGaT Center for Human Genetics Tuebingen
Classification: Likely benign. Last evaluated: 2023-08-01. Review status: criteria provided, single submitter. Criteria: CeGaT Center For Human Genetics Tuebingen Variant Classification Criteria Version 2. Collection method: clinical testing. Allele origin: germline. Affected: yes. Observed: 1 variant allele.
Comment: MRPS7: BP4

GeneDx
Classification: Likely benign. Last evaluated: 2018-02-09. Review status: criteria provided, single submitter. Criteria: GeneDx Variant Classification (06012015). Collection method: clinical testing. Allele origin: germline. Affected: yes.
Comment: This variant is considered likely benign or benign based on one or more of the following criteria: it is a conservative change, it occurs at a poorly conserved position in the protein, it is predicted to be benign by multiple in silico algorithms, and/or has population frequency not consistent with disease.